The following is an entry in ClinVar:

NM_005560.6(LAMA5):c.9466G>A (p.Ala3156Thr)

Gene: LAMA5 (laminin subunit alpha 5; minus strand). Cytogenetic location: 20q13.33.
Variant type: single nucleotide variant.
Coding change: c.9466G>A on transcript NM_005560.6 (MANE Select); coding-DNA position 9466, G replaced by A.
Protein change: p.Ala3156Thr; replaces alanine 3156 with threonine.
Molecular consequence: missense variant.
Genome position (GRCh38, 1-based): chr20:62,312,211, C>T on the plus strand (G>A on the coding strand, the complement: LAMA5 is on the minus strand). VCF-style: chr20-62312211-C-T. GRCh37 (hg19) VCF-style: chr20-60887267-C-T.
Other names: short protein forms A3156T.
Identifiers: ClinVar variation 3667577 (VCV003667577.2).

ClinVar aggregate classification (germline): Uncertain significance (1 of 4 stars; one submission).

gnomAD v4.1: 21 of 1,610,342 alleles (0.0013%); highest among the groups gnomAD compares: Admixed American, 0.0084%; no homozygotes.

Submission:

Labcorp Genetics (formerly Invitae), Labcorp
Classification: Uncertain significance. Last evaluated: 2024-08-29. Review status: criteria provided, single submitter. Criteria: Invitae Variant Classification Sherloc (09022015). Collection method: clinical testing. Allele origin: germline.
Comment: This sequence change replaces alanine, which is neutral and non-polar, with threonine, which is neutral and polar, at codon 3156 of the LAMA5 protein (p.Ala3156Thr). This variant is present in population databases (rs140550546, gnomAD 0.01%). This variant has not been reported in the literature in individuals affected with LAMA5-related conditions. Invitae Evidence Modeling of protein sequence and biophysical properties (such as structural, functional, and spatial information, amino acid conservation, physicochemical variation, residue mobility, and thermodynamic stability) indicates that this missense variant is not expected to disrupt LAMA5 protein function with a negative predictive value of 80%. In summary, the available evidence is currently insufficient to determine the role of this variant in disease. Therefore, it has been classified as a Variant of Uncertain Significance.